The following is an entry in ClinVar:

NM_000548.5(TSC2):c.1018C>T (p.Leu340=)

Gene: TSC2 (TSC complex subunit 2; plus strand). Cytogenetic location: 16p13.3.
Variant type: single nucleotide variant.
Coding change: c.1018C>T on transcript NM_000548.5 (MANE Select); coding-DNA position 1018, C replaced by T.
Protein change: p.Leu340=; no amino-acid change (leucine 340 retained).
Molecular consequence: synonymous variant.
Genome position (GRCh38, 1-based): chr16:2,060,712, C>T. VCF-style: chr16-2060712-C-T. GRCh37 (hg19) VCF-style: chr16-2110713-C-T.
Other names: c.1018C>T (NM_000548.3); c.1018C>T, p.Leu340= (NM_001077183.3, NM_001114382.3, NM_001363528.2 and 3 more transcripts); c.907C>T, p.Leu303= (NM_001318827.2); c.871C>T, p.Leu291= (NM_001318829.2); c.418C>T, p.Leu140= (NM_001318831.2); c.1051C>T, p.Leu351= (NM_001318832.2).
Identifiers: ClinVar variation 1124604 (VCV001124604.11), dbSNP rs2151135855, ClinGen allele CA492960715.

ClinVar aggregate classification (germline): Benign/Likely benign. Review status: criteria provided, multiple submitters, no conflicts (2 of 4 stars). 3 submissions from 3 submitters: Benign (1); Likely benign (2). Last evaluated 2026-01-29.

Conditions:
Hereditary cancer-predisposing syndrome. Also called: Hereditary Cancer Syndrome; Neoplastic Syndromes, Hereditary; Tumor predisposition; Hereditary neoplastic syndrome. Identifiers: Orphanet 140162, MedGen C0027672, MeSH D009386, MONDO:0015356.
Tuberous sclerosis 2 (TSC2). Identifiers: Orphanet 805, MedGen C1860707, MONDO:0013199, OMIM 613254.

gnomAD v4.1: 2 of 1,614,150 alleles (0.00012%); highest among the groups gnomAD compares: Non-Finnish European, 0.000085%; no homozygotes.

Submissions (3):

Ambry Genetics
Classification: Likely benign for Hereditary cancer-predisposing syndrome. Last evaluated: 2026-01-29. Review status: criteria provided, single submitter. Criteria: Ambry Variant Classification Scheme 2023. Collection method: clinical testing. Allele origin: germline.

Labcorp Genetics (formerly Invitae), Labcorp
Classification: Likely benign for Tuberous sclerosis 2. Last evaluated: 2025-07-07. Review status: criteria provided, single submitter. Criteria: Invitae Variant Classification Sherloc (09022015). Collection method: clinical testing. Allele origin: germline.

Myriad Genetics, Inc.
Classification: Benign for Tuberous sclerosis 2. Last evaluated: 2025-05-13. Review status: criteria provided, single submitter. Criteria: Myriad Autosomal Dominant, Autosomal Recessive and X-Linked Classification Criteria (2023). Collection method: clinical testing. Allele origin: unknown.
Comment: This variant is considered benign. This variant is a silent/synonymous amino acid change and it is not expected to impact splicing.